The following is an entry in ClinVar:

ClinVar aggregate classification (germline): Likely benign. Review status: criteria provided, multiple submitters, no conflicts (2 of 4 stars). 4 submissions from 4 submitters: Likely benign (4). Last evaluated 2026-01-07.

Allele frequency attached by ClinVar (database versions not stated): gnomAD 0.00029 and 0.00024; gnomAD exomes 0.00029 and 0.00026; ExAC 0.00039; 1000 Genomes Project 0.00060; 1000 Genomes Project 30x 0.00062; TOPMed 0.00027.

Submissions (4):

Labcorp Genetics (formerly Invitae), Labcorp
Classification: Likely benign. Last evaluated: 2026-01-07. Review status: criteria provided, single submitter. Criteria: Invitae Variant Classification Sherloc (09022015). Collection method: clinical testing. Allele origin: germline.

Blueprint Genetics
Classification: Likely benign. Last evaluated: 2024-11-21. Review status: criteria provided, single submitter. Criteria: ACMG Guidelines, 2015. Collection method: clinical testing. Allele origin: germline.

Women's Health and Genetics/Laboratory Corporation of America, LabCorp
Classification: Likely benign. Last evaluated: 2023-09-07. Review status: criteria provided, single submitter. Criteria: LabCorp Variant Classification Summary - May 2015. Collection method: clinical testing. Allele origin: germline.
Comment: Variant summary: COL9A3 c.345+15T>C alters a non-conserved nucleotide located at a position not widely known to affect splicing. Consensus agreement among computational tools predict no significant impact on normal splicing. However, these predictions have yet to be confirmed by functional studies. The variant allele was found at a frequency of 0.00029 in 243734 control chromosomes in the gnomAD database, including 1 homozygote. To our knowledge, no occurrence of c.345+15T>C in individuals affected with Epiphyseal Dysplasia, Multiple, 3 and no experimental evidence demonstrating its impact on protein function have been reported. One ClinVar submitter has assessed the variant since 2014, and classified the variant as likely benign. Based on the evidence outlined above, the variant was classified as likely benign.

Breakthrough Genomics
Classification: Likely benign. Review status: criteria provided, single submitter. Criteria: ACMG Guidelines, 2015. Collection method: not provided. Allele origin: germline. Inheritance: Autosomal recessive inheritance. Affected: yes.

NM_001853.4(COL9A3):c.345+15T>C

Gene: COL9A3 (collagen type IX alpha 3 chain; plus strand). Cytogenetic location: 20q13.33.
Variant type: single nucleotide variant.
Coding change: c.345+15T>C on transcript NM_001853.4 (MANE Select); 15 bases into the intron after coding-DNA position 345, T replaced by C.
Molecular consequence: intron variant.
Genome position (GRCh38, 1-based): chr20:62,821,231, T>C. VCF-style: chr20-62821231-T-C. GRCh37 (hg19) VCF-style: chr20-61452583-T-C.
Other names: c.345+15T>C (NM_001853.3).
Identifiers: ClinVar variation 1089254 (VCV001089254.11), dbSNP rs542217955, ClinGen allele CA9949169.